The following is an entry in ClinVar:

ClinVar aggregate classification (germline): Uncertain significance (1 of 4 stars; one submission).

Submission:

Labcorp Genetics (formerly Invitae), Labcorp
Classification: Uncertain significance. Last evaluated: 2022-06-24. Review status: criteria provided, single submitter. Criteria: Invitae Variant Classification Sherloc (09022015). Collection method: clinical testing. Allele origin: germline.
Comment: A gross deletion of the genomic region encompassing the full coding sequence of the IFT88 gene has been identified. The current clinical and genetic evidence is not sufficient to establish whether loss-of-function variants in IFT88 cause disease. The boundaries of this event are unknown as they extend beyond the assayed region for this gene and therefore may encompass additional genes. This variant has not been reported in the literature in individuals affected with IFT88-related conditions. Experimental studies and prediction algorithms are not available or were not evaluated, and the functional significance of this variant is currently unknown. In summary, the available evidence is currently insufficient to determine the role of this variant in disease. Therefore, it has been classified as a Variant of Uncertain Significance.

NC_000013.10:g.(?_21086562)_(21278450_?)del

Genes: CRYL1 (crystallin lambda 1; minus strand), IFT88 (intraflagellar transport 88; plus strand), IL17D (interleukin 17D; plus strand). Cytogenetic location: 13q12.11.
Variant type: Deletion.
Identifiers: ClinVar variation 2427534 (VCV002427534.3).